The following is an entry in ClinVar:

NM_000152.5(GAA):c.2133A>G (p.Thr711=)

Gene: GAA (alpha glucosidase; plus strand). Cytogenetic location: 17q25.3.
Variant type: single nucleotide variant.
Coding change: c.2133A>G on transcript NM_000152.5 (MANE Select); coding-DNA position 2133, A replaced by G.
Protein change: p.Thr711=; no amino-acid change (threonine 711 retained).
Molecular consequence: synonymous variant.
Genome position (GRCh38, 1-based): chr17:80,113,310, A>G. VCF-style: chr17-80113310-A-G. GRCh37 (hg19) VCF-style: chr17-78087109-A-G.
Other names: c.2133A>G, p.Thr711= (NM_001079803.3, NM_001079804.3); c.2133A>G, p.(=) (LRG_673t1).
Identifiers: ClinVar variation 92473 (VCV000092473.37), dbSNP rs1800310, ClinGen allele CA145765.

ClinVar aggregate classification (germline): Benign. Review status: criteria provided, multiple submitters, no conflicts (2 of 4 stars). 16 submissions from 16 submitters: Benign (10). 6 of the submissions do not count toward it. Last evaluated 2026-02-04.

Conditions:
Glycogen storage disease, type II (IOPD). Also called: POMPE DISEASE, INFANTILE-ONSET; GLYCOGEN STORAGE DISEASE II, INFANTILE-ONSET; ACID ALPHA-GLUCOSIDASE DEFICIENCY, INFANTILE-ONSET; GAA DEFICIENCY, INFANTILE-ONSET; ACID MALTASE DEFICIENCY, INFANTILE-ONSET; Glucosidase acid-1,4-alpha deficiency. Identifiers: Orphanet 365, MedGen C0017921, MONDO:0009290, OMIM 232300.
Cardiovascular phenotype. Identifiers: MedGen CN230736.

Allele frequency attached by ClinVar (database versions not stated): TOPMed 0.22188; ESP Exome Variant Server 0.22553; 1000 Genomes Project 30x 0.23579; gnomAD 0.23591 and 0.24110; 1000 Genomes Project 0.24161; gnomAD exomes 0.27136 and 0.28201; ExAC 0.34229.
gnomAD v4.1: 444,334 of 1,596,368 alleles (28%); highest among the groups gnomAD compares: East Asian, 39%; 64,026 homozygotes.

Submissions (16):

Labcorp Genetics (formerly Invitae), Labcorp
Classification: Benign for Glycogen storage disease, type II. Last evaluated: 2026-02-04. Review status: criteria provided, single submitter. Criteria: Invitae Variant Classification Sherloc (09022015). Collection method: clinical testing. Allele origin: germline.

Blueprint Genetics
Classification: Benign. Last evaluated: 2024-11-28. Review status: criteria provided, single submitter. Criteria: ACMG Guidelines, 2015. Collection method: clinical testing. Allele origin: germline.

Genome-Nilou Lab
Classification: Benign for Glycogen storage disease, type II. Last evaluated: 2021-06-10. Review status: criteria provided, single submitter. Criteria: ACMG Guidelines, 2015. Collection method: clinical testing. Allele origin: germline. Affected: no.

Ambry Genetics
Classification: Benign for Cardiovascular phenotype. Last evaluated: 2018-12-11. Review status: criteria provided, single submitter. Criteria: Ambry Variant Classification Scheme 2023. Collection method: clinical testing. Allele origin: germline.

Illumina Laboratory Services, Illumina
Classification: Benign for Glycogen storage disease, type II. Last evaluated: 2018-01-13. Review status: criteria provided, single submitter. Criteria: ICSL Variant Classification Criteria 13 December 2019. Collection method: clinical testing. Allele origin: germline.
Comment: This variant was observed in the ICSL laboratory as part of a predisposition screen in an ostensibly healthy population. It had not been previously curated by ICSL or reported in the Human Gene Mutation Database (HGMD: prior to June 1st, 2018), and was therefore a candidate for classification through an automated scoring system. Utilizing variant allele frequency, disease prevalence and penetrance estimates, and inheritance mode, an automated score was calculated to assess if this variant is too frequent to cause the disease. Based on the score and internal cut-off values, a variant classified as benign is not then subjected to further curation. The score for this variant resulted in a classification of benign for this disease.

Eurofins Ntd Llc (ga)
Classification: Benign. Last evaluated: 2017-08-28. Review status: criteria provided, single submitter. Criteria: EGL Classification Definitions 2015. Collection method: clinical testing. Allele origin: germline. Observed: 55 variant alleles, 47 heterozygotes, 8 homozygotes.

GeneDx
Classification: Benign. Last evaluated: 2015-03-03. Review status: criteria provided, single submitter. Criteria: GeneDx Variant Classification Process June 2021. Collection method: clinical testing. Allele origin: germline. Affected: yes.

Genetic Services Laboratory, University of Chicago
Classification: Benign for AllHighlyPenetrant. Last evaluated: 2013-08-15. Review status: criteria provided, single submitter. Criteria: ACMG Guidelines, 2007. Collection method: clinical testing. Allele origin: germline. Inheritance: Autosomal recessive inheritance.

Breakthrough Genomics
Classification: Benign. Review status: criteria provided, single submitter. Criteria: ACMG Guidelines, 2015. Collection method: not provided. Allele origin: germline. Inheritance: Autosomal recessive inheritance. Affected: yes.

PreventionGenetics, part of Exact Sciences
Classification: Benign. Review status: criteria provided, single submitter. Criteria: ACMG Guidelines, 2015. Collection method: clinical testing. Allele origin: germline.

Natera, Inc.
Classification: Benign for Glycogen storage disease type II. Last evaluated: 2019-11-20. Review status: no assertion criteria provided. Collection method: clinical testing. Allele origin: germline. Not counted in ClinVar's aggregate classification.

Mayo Clinic Laboratories, Mayo Clinic
Classification: Benign. Last evaluated: 2015-10-19. Review status: no assertion criteria provided. Collection method: clinical testing. Allele origin: unknown. Not counted in ClinVar's aggregate classification.

Clinical Genetics DNA and cytogenetics Diagnostics Lab, Erasmus MC, Erasmus Medical Center
Classification: Benign. Review status: no assertion criteria provided. Collection method: clinical testing. Allele origin: germline. Affected: yes. Study: VKGL Data-share Consensus. Not counted in ClinVar's aggregate classification.

Diagnostic Laboratory, Department of Genetics, University Medical Center Groningen
Classification: Benign for Glycogen storage disease, type II. Review status: no assertion criteria provided. Collection method: clinical testing. Allele origin: germline. Affected: yes. Study: VKGL Data-share Consensus. Not counted in ClinVar's aggregate classification.

Genome Diagnostics Laboratory, University Medical Center Utrecht
Classification: Benign. Review status: no assertion criteria provided. Collection method: clinical testing. Allele origin: germline. Affected: yes. Study: VKGL Data-share Consensus. Not counted in ClinVar's aggregate classification.

Joint Genome Diagnostic Labs from Nijmegen and Maastricht, Radboudumc and MUMC+
Classification: Benign. Review status: no assertion criteria provided. Collection method: clinical testing. Allele origin: germline. Affected: yes. Study: VKGL Data-share Consensus. Not counted in ClinVar's aggregate classification.